The following is an entry in ClinVar:

NM_020442.6(VARS2):c.986-11T>G

Gene: VARS2 (valyl-tRNA synthetase 2, mitochondrial; plus strand). Cytogenetic location: 6p21.33.
Variant type: single nucleotide variant.
Coding change: c.986-11T>G on transcript NM_020442.6 (MANE Select); 11 bases into the intron before coding-DNA position 986, T replaced by G.
Molecular consequence: intron variant.
Genome position (GRCh38, 1-based): chr6:30,918,816, T>G. VCF-style: chr6-30918816-T-G. GRCh37 (hg19) VCF-style: chr6-30886593-T-G.
Other names: c.1076-11T>G (NM_001167734.2); c.566-11T>G (NM_001167733.3).
Identifiers: ClinVar variation 5000433 (VCV005000433.2).
Genomic context (GRCh38, chr6:30,918,816, plus strand): 5'-GCCTTTAGCTATGTTGGCAGTGAGAGGTGAGGATGATGACCAGCTGTAAGTGTTTAAATG[T>G]TTATCTTCAGATGCAGAGGTTGTGGTAGGAACCACAAGGCCAGAGACGCTGCCTGGAGAT-3'

ClinVar aggregate classification (germline): Uncertain significance. Review status: criteria provided, multiple submitters, no conflicts (2 of 4 stars). 2 submissions from 2 submitters: Uncertain significance (2). Last evaluated 2025-06-27.

Conditions:
Combined oxidative phosphorylation defect type 20. Also called: Combined oxidative phosphorylation deficiency 20. Identifiers: Orphanet 420728, MedGen C4014660, MONDO:0014397, OMIM 615917.
VARS2-related disorder. Also called: VARS2-related disorders; VARS2-related condition.

Submissions (2):

PreventionGenetics, part of Exact Sciences
Classification: Uncertain significance for VARS2-related condition. Last evaluated: 2025-06-27. Review status: criteria provided, single submitter. Criteria: ACMG Guidelines, 2015. Collection method: clinical testing. Allele origin: germline.
Comment: The VARS2 c.1076-11T>G variant is predicted to interfere with splicing. To our knowledge, this variant has not been reported in the literature or in a large population database (gnomAD), indicating this variant is rare. This variant may weaken the nearby canonical splice acceptor site according to one splicing prediction program (SpliceAI, Jaganathan et al. 2019. PubMed ID: 30661751); however, this prediction has not been confirmed experimentally. At this time, the clinical significance of this variant is uncertain due to the absence of conclusive functional and genetic evidence.

Center for Pediatric Genomic Medicine, Children's Mercy Hospital and Clinics
Classification: Uncertain significance for Combined oxidative phosphorylation defect type 20. Last evaluated: 2025-03-01. Review status: criteria provided, single submitter. Criteria: ACMG Guidelines, 2015. Collection method: clinical testing. Allele origin: germline. Affected: yes.
Comment: PM2, PM3_supp, PP1, PP3